The following is an entry in ClinVar:

ClinVar aggregate classification (germline): Uncertain significance (1 of 4 stars; one submission).

gnomAD v4.1: 1 of 1,614,066 alleles (0.000062%); highest among the groups gnomAD compares: African/African-American, 0.0013%; no homozygotes.

Submission:

GeneDx
Classification: Uncertain significance. Last evaluated: 2024-08-24. Review status: criteria provided, single submitter. Criteria: GeneDx Variant Classification Process June 2021. Collection method: clinical testing. Allele origin: germline. Affected: yes.
Comment: Not observed at significant frequency in large population cohorts (gnomAD); In silico analysis indicates that this missense variant does not alter protein structure/function; Has not been previously published as pathogenic or benign to our knowledge

NM_006662.3(SRCAP):c.3565C>A (p.Gln1189Lys)

Gene: SRCAP (Snf2 related CREBBP activator protein; plus strand). Cytogenetic location: 16p11.2.
Variant type: single nucleotide variant.
Coding change: c.3565C>A on transcript NM_006662.3 (MANE Select); coding-DNA position 3565, C replaced by A.
Protein change: p.Gln1189Lys; replaces glutamine 1189 with lysine.
Molecular consequence: missense variant.
Genome position (GRCh38, 1-based): chr16:30,722,145, C>A. VCF-style: chr16-30722145-C-A. GRCh37 (hg19) VCF-style: chr16-30733466-C-A.
Other names: short protein forms Q1189K.
Identifiers: ClinVar variation 3767702 (VCV003767702.1).